The following is an entry in ClinVar:

NM_153717.3(EVC):c.2097+1G>T

Gene: EVC (EvC ciliary complex subunit 1; plus strand). Cytogenetic location: 4p16.2.
Variant type: single nucleotide variant.
Coding change: c.2097+1G>T on transcript NM_153717.3 (MANE Select); the canonical splice donor site of the intron after coding-DNA position 2097, G replaced by T.
Molecular consequence: splice donor variant.
Genome position (GRCh38, 1-based): chr4:5,797,233, G>T. VCF-style: chr4-5797233-G-T. GRCh37 (hg19) VCF-style: chr4-5798960-G-T.
Other names: c.2097+1G>T (NM_001306090.2).
Identifiers: ClinVar variation 556814 (VCV000556814.7), dbSNP rs1553891368, ClinGen allele CA356144103.

ClinVar aggregate classification (germline): Likely pathogenic. Review status: criteria provided, single submitter (1 of 4 stars). 2 submissions from 2 submitters: Likely pathogenic (1). 1 of the submissions does not count toward it. Last evaluated 2021-12-27.

Conditions:
Curry-Hall syndrome (WAD). Also called: WEYERS ACRODENTAL DYSOSTOSIS. Identifiers: Orphanet 952, MedGen C0457013, MONDO:0008673, OMIM 193530.
Ellis-van Creveld syndrome (EVC). Also called: EVC2-Related Ellis-van Creveld Syndrome; EVC-Related Ellis-van Creveld Syndrome; MESOECTODERMAL DYSPLASIA; Chondroectodermal dysplasia. Identifiers: Orphanet 289, MedGen C0013903, MONDO:0009162, OMIM 225500.

Submissions (2):

Labcorp Genetics (formerly Invitae), Labcorp
Classification: Likely pathogenic for Curry-Hall syndrome; Ellis-van Creveld syndrome. Last evaluated: 2021-12-27. Review status: criteria provided, single submitter. Criteria: Invitae Variant Classification Sherloc (09022015). Collection method: clinical testing. Allele origin: germline.
Comment: In summary, the currently available evidence indicates that the variant is pathogenic, but additional data are needed to prove that conclusively. Therefore, this variant has been classified as Likely Pathogenic. Algorithms developed to predict the effect of sequence changes on RNA splicing suggest that this variant may disrupt the consensus splice site. ClinVar contains an entry for this variant (Variation ID: 556814). This variant has not been reported in the literature in individuals affected with EVC-related conditions. This variant is not present in population databases (gnomAD no frequency). This sequence change affects a donor splice site in intron 14 of the EVC gene. It is expected to disrupt RNA splicing. Variants that disrupt the donor or acceptor splice site typically lead to a loss of protein function (PMID: 16199547), and loss-of-function variants in EVC are known to be pathogenic (PMID: 23220543).

Counsyl
Classification: Likely pathogenic for Ellis-van Creveld syndrome. Last evaluated: 2018-02-23. Review status: no assertion criteria provided. Collection method: clinical testing. Allele origin: unknown. Not counted in ClinVar's aggregate classification.

Literature cited by the submitters: PubMed 16199547 (cited by Labcorp Genetics (formerly Invitae), Labcorp); PubMed 23220543 (cited by Labcorp Genetics (formerly Invitae), Labcorp).